The following is an entry in ClinVar:

ClinVar aggregate classification (germline): Uncertain significance (1 of 4 stars; one submission).

Conditions:
Progressive familial heart block type IB (PFHB1B). Identifiers: Orphanet 871, MedGen C1970298, MONDO:0011474, OMIM 604559.

gnomAD v4.1: 1 of 1,613,330 alleles (0.000062%); highest among the groups gnomAD compares: East Asian, 0.0022%; no homozygotes.

Submission:

Labcorp Genetics (formerly Invitae), Labcorp
Classification: Uncertain significance for Progressive familial heart block type IB. Last evaluated: 2024-03-23. Review status: criteria provided, single submitter. Criteria: Invitae Variant Classification Sherloc (09022015). Collection method: clinical testing. Allele origin: germline.
Comment: This sequence change replaces glutamine, which is neutral and polar, with glutamic acid, which is acidic and polar, at codon 915 of the TRPM4 protein (p.Gln915Glu). This variant is not present in population databases (gnomAD no frequency). This variant has not been reported in the literature in individuals affected with TRPM4-related conditions. An algorithm developed to predict the effect of missense changes on protein structure and function (PolyPhen-2) suggests that this variant is likely to be disruptive. In summary, the available evidence is currently insufficient to determine the role of this variant in disease. Therefore, it has been classified as a Variant of Uncertain Significance.

NM_017636.4(TRPM4):c.2743C>G (p.Gln915Glu)

Gene: TRPM4 (transient receptor potential cation channel subfamily M member 4; plus strand). Cytogenetic location: 19q13.33.
Variant type: single nucleotide variant.
Coding change: c.2743C>G on transcript NM_017636.4 (MANE Select); coding-DNA position 2743, C replaced by G.
Protein change: p.Gln915Glu; replaces glutamine 915 with glutamic acid.
Molecular consequence: missense variant.
Genome position (GRCh38, 1-based): chr19:49,200,397, C>G. VCF-style: chr19-49200397-C-G. GRCh37 (hg19) VCF-style: chr19-49703654-C-G.
Other names: c.2308C>G, p.Gln770Glu (NM_001195227.2); c.2398C>G, p.Gln800Glu (NM_001321281.2); c.1135C>G, p.Gln379Glu (NM_001321282.2); c.2221C>G, p.Gln741Glu (NM_001321283.2); c.1681C>G, p.Gln561Glu (NM_001321285.2); short protein forms Q741E, Q379E, Q561E, Q770E, Q800E, Q915E.
Identifiers: ClinVar variation 3647372 (VCV003647372.2).